The following is an entry in ClinVar:

ClinVar aggregate classification (germline): Pathogenic. Review status: criteria provided, multiple submitters, no conflicts (2 of 4 stars). 8 submissions from 8 submitters: Pathogenic (8). Last evaluated 2026-03-01.

Conditions:
ANK1-related disorder. Also called: ANK1-related condition.
Hereditary spherocytosis type 1. Also called: Spherocytosis type 1; ANK1-Related Spherocytosis. Identifiers: Orphanet 822, MedGen C2674218, MONDO:0008447, OMIM 182900.

Submissions (8):

CeGaT Center for Human Genetics Tuebingen
Classification: Pathogenic. Last evaluated: 2026-03-01. Review status: criteria provided, single submitter. Criteria: CeGaT Center For Human Genetics Tuebingen Variant Classification Criteria Version 2. Collection method: clinical testing. Allele origin: germline. Affected: yes. Observed: 1 variant allele.
Comment: ANK1: PVS1, PS4, PM2, PM6:Supporting

Mayo Clinic Laboratories, Mayo Clinic
Classification: Pathogenic. Last evaluated: 2025-10-28. Review status: criteria provided, single submitter. Criteria: ACMG Guidelines, 2015. Collection method: clinical testing. Allele origin: germline. Observed: 1 variant allele.
Comment: PM2_supporting, PM6_supporting, PVS1

Genesolutions, Medical Genetics Institutes, Ho Chi Minh City, Vietnam
Classification: Pathogenic for Hereditary spherocytosis type 1. Last evaluated: 2025-09-24. Review status: criteria provided, single submitter. Criteria: ACMG Guidelines, 2015. Collection method: clinical testing. Allele origin: germline. Affected: yes.

Labcorp Genetics (formerly Invitae), Labcorp
Classification: Pathogenic. Last evaluated: 2025-02-26. Review status: criteria provided, single submitter. Criteria: Invitae Variant Classification Sherloc (09022015). Collection method: clinical testing. Allele origin: germline.
Comment: This sequence change creates a premature translational stop signal (p.Leu797Serfs*7) in the ANK1 gene. It is expected to result in an absent or disrupted protein product. Loss-of-function variants in ANK1 are known to be pathogenic (PMID: 8640229). This variant is not present in population databases (gnomAD no frequency). This premature translational stop signal has been observed in individual(s) with spherocytosis (PMID: 8640229, 31122244, 33868383). For these reasons, this variant has been classified as Pathogenic.

PreventionGenetics, part of Exact Sciences
Classification: Pathogenic for ANK1-related condition. Last evaluated: 2024-11-20. Review status: criteria provided, single submitter. Criteria: ACMG Guidelines, 2015. Collection method: clinical testing. Allele origin: germline.
Comment: The ANK1 c.2390_2393delTAGT variant is predicted to result in a frameshift and premature protein termination (p.Leu797Serfs*7). This variant, also referred to as c.2489_2492del (p.Leu830Serfs*7) using another transcript NM_001142446, has previously been reported to be causative for autosomal dominant hereditary spherocytosis (Choi HS et al 2019. PubMed ID: 31122244; Wu C et al 2021. PubMed ID: 33868383). This variant has not been reported in a large population database (gnomAD), indicating this variant is rare. Frameshift variants in ANK1 are expected to be pathogenic. This variant is interpreted as pathogenic.

Revvity Omics, Revvity
Classification: Pathogenic for Hereditary spherocytosis type 1. Last evaluated: 2023-12-11. Review status: criteria provided, single submitter. Criteria: ACMG Guidelines, 2015. Collection method: clinical testing. Allele origin: germline.

Fulgent Genetics
Classification: Pathogenic for Hereditary spherocytosis type 1. Last evaluated: 2022-01-13. Review status: criteria provided, single submitter. Criteria: ACMG Guidelines, 2015. Collection method: clinical testing. Allele origin: unknown.

GeneDx
Classification: Pathogenic. Last evaluated: 2021-01-30. Review status: criteria provided, single submitter. Criteria: GeneDx Variant Classification Process June 2021. Collection method: clinical testing. Allele origin: germline. Affected: yes.
Comment: Frameshift variant predicted to result in protein truncation or nonsense mediated decay in a gene for which loss-of-function is a known mechanism of disease; Not observed in large population cohorts (Lek et al., 2016); This variant is associated with the following publications: (PMID: 8640229, 31122244)

Literature cited by the submitters: PubMed 31122244 (cited by Mayo Clinic Laboratories, Mayo Clinic and Labcorp Genetics (formerly Invitae), Labcorp); PubMed 33868383 (cited by Mayo Clinic Laboratories, Mayo Clinic and Labcorp Genetics (formerly Invitae), Labcorp); PubMed 36816036 (cited by Mayo Clinic Laboratories, Mayo Clinic); PubMed 39044243 (cited by Mayo Clinic Laboratories, Mayo Clinic); PubMed 8640229 (cited by Mayo Clinic Laboratories, Mayo Clinic and Labcorp Genetics (formerly Invitae), Labcorp).

NM_000037.4(ANK1):c.2390_2393del

Gene: ANK1 (ankyrin 1; minus strand). Cytogenetic location: 8p11.21.
Variant type: Microsatellite.
Coding change: c.2390_2393del on transcript NM_000037.4 (MANE Select); coding-DNA positions 2390 to 2393, 4 bases deleted (TAGT; older notation c.2390_2393delTAGT).
Molecular consequence: splice acceptor variant.
Genome position (GRCh38, 1-based): chr8:41,701,618-41,701,621, ACTA deleted on the plus strand (TAGT on the coding strand, the reverse complement: ANK1 is on the minus strand); deleting any 4 consecutive bases within chr8:41,701,618-41,701,626 gives the same sequence; the c. name uses the placement nearest the transcript's 3' end. VCF-style (leftmost placement, unchanged base first): chr8-41701617-GACTA-G. GRCh37 (hg19) VCF-style: chr8-41559135-GACTA-G.
Other names: p.Leu797Serfs*7; c.2390_2393delTAGT (NM_020476.2).
Identifiers: ClinVar variation 1198634 (VCV001198634.19), ClinGen allele CA1139768234.